The following is an entry in ClinVar:

ClinVar aggregate classification (germline): Uncertain significance (1 of 4 stars; one submission).

Conditions:
Primary familial hypertrophic cardiomyopathy (HCM). Identifiers: Orphanet 99739, MedGen C0949658, MeSH D024741, MONDO:0024573. Inheritance: Various modes of inheritance.

Submission:

Labcorp Genetics (formerly Invitae), Labcorp
Classification: Uncertain significance for Primary familial hypertrophic cardiomyopathy. Last evaluated: 2021-11-13. Review status: criteria provided, single submitter. Criteria: Invitae Variant Classification Sherloc (09022015). Collection method: clinical testing. Allele origin: germline.
Comment: This variant is not present in population databases (gnomAD no frequency). This sequence change replaces leucine, which is neutral and non-polar, with isoleucine, which is neutral and non-polar, at codon 27 of the ILK protein (p.Leu27Ile). This variant has not been reported in the literature in individuals affected with ILK-related conditions. Algorithms developed to predict the effect of missense changes on protein structure and function are either unavailable or do not agree on the potential impact of this missense change (SIFT: "Deleterious"; PolyPhen-2: "Possibly Damaging"; Align-GVGD: "Class C0"). In summary, the available evidence is currently insufficient to determine the role of this variant in disease. Therefore, it has been classified as a Variant of Uncertain Significance.

NM_004517.4(ILK):c.79C>A (p.Leu27Ile)

Genes: ILK (integrin linked kinase; plus strand), LOC130005201 (ATAC-STARR-seq lymphoblastoid active region 4345; plus strand). Cytogenetic location: 11p15.4.
Variant type: single nucleotide variant.
Coding change: c.79C>A on transcript NM_004517.4 (MANE Select); coding-DNA position 79, C replaced by A.
Protein change: p.Leu27Ile; replaces leucine 27 with isoleucine.
Molecular consequence: missense variant. On other transcripts: 5 prime UTR variant (1).
Genome position (GRCh38, 1-based): chr11:6,604,350, C>A. VCF-style: chr11-6604350-C-A. GRCh37 (hg19) VCF-style: chr11-6625580-C-A.
Other names: c.79C>A, p.Leu27Ile (NM_001014794.3, NM_001014795.3, NM_001278441.2); c.-158C>A (NM_001278442.2); short protein forms L27I.
Identifiers: ClinVar variation 1447650 (VCV001447650.6), dbSNP rs2134516915, ClinGen allele CA379452133.